The following is an entry in ClinVar:

NM_001943.5(DSG2):c.871dup (p.Thr291fs)

Gene: DSG2 (desmoglein 2; plus strand). Cytogenetic location: 18q12.1.
Variant type: Duplication.
Coding change: c.871dup on transcript NM_001943.5 (MANE Select); coding-DNA position 871, one base duplicated (A; older notation c.871dupA).
Protein change: p.Thr291fs; shifts the reading frame from threonine 291.
Molecular consequence: frameshift variant.
Genome position (GRCh38, 1-based): chr18:31,524,745, A duplicated. VCF-style (leftmost placement, unchanged base first): chr18-31524744-T-TA. GRCh37 (hg19) VCF-style: chr18-29104707-T-TA.
Other names: c.871dupA (NM_001943.3); short protein forms T291fs.
Identifiers: ClinVar variation 639905 (VCV000639905.9), dbSNP rs759944835, ClinGen allele CA297732146.

ClinVar aggregate classification (germline): Pathogenic. Review status: criteria provided, multiple submitters, no conflicts (2 of 4 stars). 2 submissions from 2 submitters: Pathogenic (2). Last evaluated 2024-09-23.

Conditions:
Arrhythmogenic right ventricular dysplasia 10. Also called: Arrhythmogenic Right Ventricular Dysplasia/Cardiomyopathy10; Arrhythmogenic right ventricular dysplasia/cardiomyopathy, type 10; ARRHYTHMOGENIC RIGHT VENTRICULAR DYSPLASIA, FAMILIAL, 10. Identifiers: MedGen C1857777, MONDO:0012434, OMIM 610193.

Allele frequency attached by ClinVar (database versions not stated): gnomAD exomes below 0.00001.

Submissions (2):

Victorian Clinical Genetics Services, Murdoch Childrens Research Institute
Classification: Pathogenic for Arrhythmogenic right ventricular dysplasia 10. Last evaluated: 2024-09-23. Review status: criteria provided, single submitter. Criteria: ACMG Guidelines, 2015. Collection method: clinical testing. Allele origin: germline. Inheritance: Autosomal dominant inheritance. Affected: yes.
Comment: Based on the classification scheme VCGS_Germline_v1.3.4, this variant is classified as Pathogenic. Following criteria are met: 0102 - Loss of function is a known mechanism of disease in this gene and is associated with arrhythmogenic right ventricular dysplasia 10 (ARVD; MIM#610193) and dilated cardiomyopathy 1BB (DCM; MIM#612877) (ClinVar, PMID: 23071725). (I) 0107 - This gene is associated with autosomal dominant disease. It is commonly associated to dominant inheritance for arrhythmogenic right ventricular dysplasia 10 (MIM#610193), however recessive inheritance has been reported for dilated cardiomyopathy 1BB (MIM#612877) (OMIM). (I) 0112 - The ARVD condition associated with this gene has incomplete penetrance (OMIM). (I) 0201 - Variant is predicted to cause nonsense-mediated decay (NMD) and loss of protein (premature termination codon is located at least 54 nucleotides upstream of the final exon-exon junction). (SP) 0251 - This variant is heterozygous. (I) 0302 - Variant is present in gnomAD (v2) <0.001 for a dominant condition (1 heterozygote, 0 homozygotes). (SP) 0701 - Other NMD predicted variants comparable to the one identified in this case have very strong previous evidence for pathogenicity (DECIPHER). (SP) 0803 - This variant has limited previous evidence of pathogenicity in an unrelated individual. This variant has been classified as pathogenic by a clinical laboratory in ClinVar. (SP) 0905 - No published segregation evidence has been identified for this variant. (I) 1007 - No published functional evidence has been identified for this variant. (I) 1208 - Inheritance information for this variant is not currently available in this individual. (I) Legend: (SP) - Supporting pathogenic, (I) - Information, (SB) - Supporting benign

Labcorp Genetics (formerly Invitae), Labcorp
Classification: Pathogenic for Arrhythmogenic right ventricular dysplasia 10. Last evaluated: 2018-10-24. Review status: criteria provided, single submitter. Criteria: Invitae Variant Classification Sherloc (09022015). Collection method: clinical testing. Allele origin: germline.
Comment: For these reasons, this variant has been classified as Pathogenic. Loss-of-function variants in DSG2 are known to be pathogenic (PMID: 23381804, 23911551). This variant has not been reported in the literature in individuals with DSG2-related disease. This variant is not present in population databases (ExAC no frequency). This sequence change creates a premature translational stop signal (p.Thr291Asnfs*10) in the DSG2 gene. It is expected to result in an absent or disrupted protein product.

Literature cited by the submitters: PubMed 23071725 (cited by Victorian Clinical Genetics Services, Murdoch Childrens Research Institute); PubMed 23381804 (cited by Labcorp Genetics (formerly Invitae), Labcorp); PubMed 23911551 (cited by Labcorp Genetics (formerly Invitae), Labcorp).